The following is an entry in ClinVar:

NM_021956.5(GRIK2):c.1979C>A (p.Thr660Lys)

Gene: GRIK2 (glutamate ionotropic receptor kainate type subunit 2; plus strand). Cytogenetic location: 6q16.3.
Variant type: single nucleotide variant.
Coding change: c.1979C>A on transcript NM_021956.5 (MANE Select); coding-DNA position 1979, C replaced by A.
Protein change: p.Thr660Lys; replaces threonine 660 with lysine.
Molecular consequence: missense variant.
Genome position (GRCh38, 1-based): chr6:101,928,526, C>A. VCF-style: chr6-101928526-C-A. GRCh37 (hg19) VCF-style: chr6-102376401-C-A.
Other names: c.1979C>A, p.Thr660Lys (NM_001166247.1, NM_175768.3); short protein forms T660K.
Identifiers: ClinVar variation 870382 (VCV000870382.5), dbSNP rs1790058081, ClinGen allele CA365308502.

ClinVar aggregate classification (germline): Pathogenic. Review status: criteria provided, single submitter (1 of 4 stars). 3 submissions from 3 submitters: Pathogenic (1). 2 of the submissions do not count toward it. Last evaluated 2018-10-29.

Conditions:
GRIK2-related neurodevelopmental disorder.
Intellectual disability. Also called: Intellectual developmental disorder; Intellectual functioning disability; intellectual disabilities. Identifiers: MedGen C3714756, MeSH D008607, MONDO:0001071, HP:0001249.
Hyperintensity of cerebral white matter on MRI. Also called: White matter hyperintensities. Identifiers: MedGen C2938912, HP:0030890.
Profound global developmental delay. Identifiers: MedGen C3553450, HP:0012736.
Cerebral visual impairment. Also called: Cortical visual impairment. Identifiers: Orphanet 447788, MedGen C4048268, HP:0100704, MONDO:0018649.
Abnormal cerebral white matter morphology. Also called: Abnormality of the cerebral white matter. Identifiers: MedGen C0948163, HP:0002500.
Seizure. Also called: Seizures. Identifiers: MedGen C0036572, HP:0001250.
Neurodevelopmental disorder with impaired language and ataxia and with or without seizures. Identifiers: MedGen C5562006, MONDO:0859201, OMIM 619580.

Submissions (3):

Victorian Clinical Genetics Services, Murdoch Childrens Research Institute
Classification: Pathogenic for GRIK2-related neurodevelopmental disorder. Last evaluated: 2018-10-29. Review status: criteria provided, single submitter. Criteria: ACMG Guidelines, 2015. Collection method: clinical testing. Allele origin: de novo. Affected: yes. Observed: 1 variant allele.
Comment: A heterozygous missense variant, NM_021956.4(GRIK2):c.1979C>A, has been identified in exon 13 of 16 of the GRIK2 gene. The variant is predicted to result in a moderate amino acid change from threonine to lysine at position 660 of the protein (NP_068775.1(GRIK2):p.(Thr660Lys)). The threonine residue at this position has very high conservation (100 vertebrates, UCSC), and is located in the critical M3-S2 linker domain of the encoded GluK2 channel protein, a region previously shown to be critical for the regulation of protein function (Griffith TN, et al., 2015). In silico predictions for this variant are consistently pathogenic (Polyphen, SIFT, CADD, Mutation Taster). The variant is absent in population databases (gnomAD, dbSNP, 1000G), but has been previously described as pathogenic in an individual with severe pediatric epilepsy (Swanson GT, et al., 2018). Autosomal dominant, gain-of-function missense variants in the same region have also previously been described in indiviuals with neurological disorders (Swanson GT, et al., 2018, Guzm&aacute;n YF, et al., 2017). Functional studies of this variant showed abnormal channel function (Swanson GT, et al., 2018). Based on the information available at the time of curation, this variant has been classified as PATHOGENIC.

OMIM
Classification: Pathogenic for NEURODEVELOPMENTAL DISORDER WITH IMPAIRED LANGUAGE, ATAXIA, AND SEIZURES. Last evaluated: 2021-10-28. Review status: no assertion criteria provided. Collection method: literature only. Allele origin: germline. Not counted in ClinVar's aggregate classification.

Swanson Laboratory, Northwestern University Feinberg School of Medicine
Classification: Pathogenic for Intellectual disability; Seizure; Hyperintensity of cerebral white matter on MRI; Abnormal cerebral white matter morphology; Profound global developmental delay; Cerebral visual impairment. Last evaluated: 2021-07-13. Review status: no assertion criteria provided. Collection method: clinical testing. Allele origin: de novo. Affected: yes. Not counted in ClinVar's aggregate classification.

Literature cited by the submitters: PubMed 34375587 (cited by OMIM and Swanson Laboratory, Northwestern University Feinberg School of Medicine).